The following is an entry in ClinVar:

ClinVar aggregate classification (germline): Uncertain significance (1 of 4 stars; one submission).

Conditions:
Immunodeficiency, common variable, 7. Identifiers: Orphanet 1572, Orphanet 696894, MedGen C3542922, MONDO:0013862, OMIM 614699.

Submission:

Labcorp Genetics (formerly Invitae), Labcorp
Classification: Uncertain significance for Immunodeficiency, common variable, 7. Last evaluated: 2024-07-13. Review status: criteria provided, single submitter. Criteria: Invitae Variant Classification Sherloc (09022015). Collection method: clinical testing. Allele origin: germline.
Comment: This sequence change replaces isoleucine, which is neutral and non-polar, with valine, which is neutral and non-polar, at codon 870 of the CR2 protein (p.Ile870Val). This variant is not present in population databases (gnomAD no frequency). This variant has not been reported in the literature in individuals affected with CR2-related conditions. ClinVar contains an entry for this variant (Variation ID: 1040869). An algorithm developed to predict the effect of missense changes on protein structure and function (PolyPhen-2) suggests that this variant is likely to be tolerated. In summary, the available evidence is currently insufficient to determine the role of this variant in disease. Therefore, it has been classified as a Variant of Uncertain Significance.

NM_001006658.3(CR2):c.2608A>G (p.Ile870Val)

Gene: CR2 (complement C3d receptor 2; plus strand). Cytogenetic location: 1q32.2.
Variant type: single nucleotide variant.
Coding change: c.2608A>G on transcript NM_001006658.3 (MANE Select); coding-DNA position 2608, A replaced by G.
Protein change: p.Ile870Val; replaces isoleucine 870 with valine.
Molecular consequence: missense variant.
Genome position (GRCh38, 1-based): chr1:207,475,108, A>G. VCF-style: chr1-207475108-A-G. GRCh37 (hg19) VCF-style: chr1-207648453-A-G.
Other names: c.2431A>G, p.Ile811Val (NM_001877.5); short protein forms I811V, I870V.
Identifiers: ClinVar variation 1040869 (VCV001040869.8), dbSNP rs1658398606, ClinGen allele CA344539063.
Genomic context (GRCh38, chr1:207,475,108, plus strand): 5'-CCAGAAGTCAAACATGGGTACAAGCTCAATAAAACACATTCTGCATATTCCCACAATGAC[A>G]TAGTGTATGTTGACTGCAATCCTGGCTTCATCATGAATGGTAGTCGCGTGATTAGGTGTC-3'
Protein context (NP_001006659.1, residues 860-880): KTHSAYSHND[Ile870Val]VYVDCNPGFI